The following is an entry in ClinVar:

ClinVar aggregate classification (germline): Pathogenic/Likely pathogenic. Review status: criteria provided, multiple submitters, no conflicts (2 of 4 stars). 12 submissions from 12 submitters: Pathogenic (9); Likely pathogenic (2). 1 of the submissions does not count toward it. Last evaluated 2025-12-28.

Conditions:
Mitochondrial complex II deficiency, nuclear type 1. Also called: SUCCINATE CoQ REDUCTASE DEFICIENCY. Identifiers: Orphanet 3208, MedGen C5700310, MONDO:0100294, OMIM 252011.
Pheochromocytoma/paraganglioma syndrome 5. Also called: Paragangliomas 5; SDHA-Related Hereditary Paraganglioma-Pheochromocytoma Syndrome. Identifiers: Orphanet 29072, MedGen C3279992, MONDO:0013602, OMIM 614165.
Neurodegeneration with ataxia and late-onset optic atrophy. Identifiers: MedGen C5543254, MONDO:0031006, OMIM 619259.
Dilated cardiomyopathy 1GG (CMD1GG). Identifiers: Orphanet 154, MedGen C3150898, MONDO:0013339, OMIM 613642.
SDHA-related disorder. Also called: SDHA-related condition; SDHA-related disorders.
Hereditary cancer-predisposing syndrome. Also called: Neoplastic Syndromes, Hereditary; Tumor predisposition; Hereditary Cancer Syndrome; Hereditary neoplastic syndrome. Identifiers: Orphanet 140162, MedGen C0027672, MeSH D009386, MONDO:0015356.

Allele frequency attached by ClinVar (database versions not stated): gnomAD exomes 0.00009 and 0.00007; ExAC 0.00016; gnomAD 0.00002 and 0.00003; TOPMed 0.00003.
gnomAD v4.1: 107 of 1,613,508 alleles (0.0066%); highest among the groups gnomAD compares: Non-Finnish European, 0.0076%; no homozygotes.

Submissions (12):

Labcorp Genetics (formerly Invitae), Labcorp
Classification: Pathogenic for Pheochromocytoma/paraganglioma syndrome 5; Mitochondrial complex II deficiency, nuclear type 1. Last evaluated: 2025-12-28. Review status: criteria provided, single submitter. Criteria: Invitae Variant Classification Sherloc (09022015). Collection method: clinical testing. Allele origin: germline.
Comment: This sequence change creates a premature translational stop signal (p.Arg75*) in the SDHA gene. It is expected to result in an absent or disrupted protein product. Loss-of-function variants in SDHA are known to be pathogenic (PMID: 22974104, 24781757). This variant is present in population databases (rs781764920, gnomAD 0.01%). This premature translational stop signal has been observed in individual(s) with paraganglioma and/or pheochromocytoma (PMID: 23750034, 24694336). ClinVar contains an entry for this variant (Variation ID: 209127). For these reasons, this variant has been classified as Pathogenic.

Variantyx, Inc.
Classification: Pathogenic for Pheochromocytoma/paraganglioma syndrome 5. Last evaluated: 2025-08-20. Review status: criteria provided, single submitter. Criteria: Variantyx Assertion Criteria 2022. Collection method: clinical testing. Allele origin: germline. Inheritance: Autosomal dominant inheritance.
Comment: This is a nonsense variant in the SDHA gene (OMIM: 600857). Pathogenic variants in this gene have been associated with autosomal dominant pheochromocytoma/paraganglioma syndrome 5. This variant introduces a premature termination codon in exon 3 out of 15 and is expected to result in loss of function, which is a known disease mechanism for SDHA in this disorder (PMID: 29978154) (PVS1). This variant has been reported in at least 3 unrelated individuals with pheochromocytomas, paragangliomas, and gastrointestinal stromal tumors (PMID: 23750034, 30877234, 38573684) (PS4_Moderate). Penetrance of a pheochromocytoma or paraganglioma in carriers of a pathogenic variant is approximately 10% by age 70 (PMID: 29177515). This variant has a 0.0076% maximum allele frequency in non-founder control populations (PM2). Based on the current evidence, this variant is classified as pathogenic for autosomal dominant pheochromocytoma/paraganglioma syndrome 5.

Ambry Genetics
Classification: Pathogenic for Hereditary cancer-predisposing syndrome. Last evaluated: 2024-06-19. Review status: criteria provided, single submitter. Criteria: Ambry Variant Classification Scheme 2023. Collection method: clinical testing. Allele origin: germline.
Comment: The p.R75* pathogenic mutation (also known as c.223C>T), located in coding exon 3 of the SDHA gene, results from a C to T substitution at nucleotide position 223. This changes the amino acid from an arginine to a stop codon within coding exon 3. This mutation has also been identified in individuals with spindle cell breast cancer and pancreatic cancer (Sprissler R et al. Cancers (Basel), 2020 Jun;12; Cremin C et al. Cancer Med, 2020 06;9:4004-4013). In addition to the clinical data presented in the literature, this alteration is expected to result in loss of function by premature protein truncation or nonsense-mediated mRNA decay. As such, this alteration is interpreted as a disease-causing mutation.

GeneDx
Classification: Pathogenic. Last evaluated: 2024-04-29. Review status: criteria provided, single submitter. Criteria: GeneDx Variant Classification Process June 2021. Collection method: clinical testing. Allele origin: germline. Affected: yes.
Comment: Nonsense variant predicted to result in protein truncation or nonsense mediated decay in a gene for which loss-of-function is a known mechanism of disease; Not observed at significant frequency in large population cohorts (gnomAD); This variant is associated with the following publications: (PMID: 32255556, 28500238, 27899191, 24694336, 27159395, 29978154, 28384794, 30877234, 33726816, 32570879, 23750034)

Myriad Genetics, Inc.
Classification: Pathogenic for Pheochromocytoma/paraganglioma syndrome 5. Last evaluated: 2024-02-07. Review status: criteria provided, single submitter. Criteria: Myriad Autosomal Dominant, Autosomal Recessive and X-Linked Classification Criteria (2023). Collection method: clinical testing. Allele origin: unknown.
Comment: This variant is considered pathogenic. This variant creates a termination codon and is predicted to result in premature protein truncation.

Fulgent Genetics
Classification: Pathogenic for Mitochondrial complex II deficiency, nuclear type 1; Dilated cardiomyopathy 1GG; Pheochromocytoma/paraganglioma syndrome 5; Neurodegeneration with ataxia and late-onset optic atrophy. Last evaluated: 2024-01-04. Review status: criteria provided, single submitter. Criteria: ACMG Guidelines, 2015. Collection method: clinical testing. Allele origin: germline.

Baylor Genetics
Classification: Pathogenic for Dilated cardiomyopathy 1GG. Last evaluated: 2023-10-16. Review status: criteria provided, single submitter. Criteria: ACMG Guidelines, 2015. Collection method: clinical testing. Allele origin: unknown.

Blueprint Genetics
Classification: Likely pathogenic for SDHA-related disorders. Last evaluated: 2023-01-31. Review status: criteria provided, single submitter. Criteria: ACMG Guidelines, 2015. Collection method: clinical testing. Allele origin: germline. Affected: yes. Observed: 5 variant alleles.

Quest Diagnostics Nichols Institute San Juan Capistrano
Classification: Pathogenic. Last evaluated: 2023-01-31. Review status: criteria provided, single submitter. Criteria: Quest Diagnostics criteria. Collection method: clinical testing. Allele origin: unknown.
Comment: This nonsense variant causes the premature termination of SDHA protein synthesis. The frequency of this variant in the general population, 0.00065 (17/26134 chromosomes in Swedish subpopulation), is higher than would generally be expected for pathogenic variants in this gene. However, in the published literature, this variant is reported as being associated with reduced penetrance of developing cancer (PMID: 29978154 (2018)). In the published literature, the variant has been reported in individuals with breast cancer (PMID: 32570879 (2020)), pancreatic ductal adenocarcinoma (PDAC) (PMID: 32255556 (2020)), and hereditary paraganglioma-pheochromocytoma (PGL-PCC) (PMIDs: 30877234 (2019), 24694336 (2014), 23750034 (2013)). Based on the available information, this variant is classified as pathogenic.

Clinical Genetics Laboratory, Region Ostergotland
Classification: Pathogenic for Pheochromocytoma/paraganglioma syndrome 5. Last evaluated: 2021-04-19. Review status: criteria provided, single submitter. Criteria: ACMG Guidelines, 2015. Collection method: clinical testing. Allele origin: germline.
Comment: PVS1, PS4, PP5, BP5

Heterozygous

Clinical Genetics and Genomics, Karolinska University Hospital
Classification: Likely pathogenic. Last evaluated: 2015-05-31. Review status: criteria provided, single submitter. Criteria: ACMG Guidelines, 2015. Collection method: clinical testing. Allele origin: germline. Affected: yes. Observed: 2 variant alleles.

OMIM
Classification: Pathogenic for PHEOCHROMOCYTOMA/PARAGANGLIOMA SYNDROME 5. Last evaluated: 2013-08-01. Review status: no assertion criteria provided. Collection method: literature only. Allele origin: germline. Not counted in ClinVar's aggregate classification.

Literature cited by the submitters: PubMed 22974104 (cited by Labcorp Genetics (formerly Invitae), Labcorp); PubMed 24781757 (cited by Labcorp Genetics (formerly Invitae), Labcorp); PubMed 23750034 (cited by 5 submitters); PubMed 24694336 (cited by 3 submitters); PubMed 29978154 (cited by Variantyx, Inc. and Quest Diagnostics Nichols Institute San Juan Capistrano); PubMed 30877234 (cited by Variantyx, Inc. and Quest Diagnostics Nichols Institute San Juan Capistrano); PubMed 38573684 (cited by Variantyx, Inc.); PubMed 32255556 (cited by Ambry Genetics and Quest Diagnostics Nichols Institute San Juan Capistrano); PubMed 32570879 (cited by Ambry Genetics and Quest Diagnostics Nichols Institute San Juan Capistrano); PubMed 33726816 (cited by Quest Diagnostics Nichols Institute San Juan Capistrano).

NM_004168.4(SDHA):c.223C>T (p.Arg75Ter)

Gene: SDHA (succinate dehydrogenase complex flavoprotein subunit A; plus strand). Cytogenetic location: 5p15.33.
Variant type: single nucleotide variant.
Coding change: c.223C>T on transcript NM_004168.4 (MANE Select); coding-DNA position 223, C replaced by T.
Protein change: p.Arg75Ter; replaces arginine 75 with a stop codon.
Molecular consequence: nonsense.
Genome position (GRCh38, 1-based): chr5:224,432, C>T. VCF-style: chr5-224432-C-T. GRCh37 (hg19) VCF-style: chr5-224547-C-T.
Other names: c.223C>T, p.Arg75Ter (NM_001294332.2, NM_001330758.2); short protein forms R75*.
Identifiers: ClinVar variation 209127 (VCV000209127.31), dbSNP rs781764920, ClinGen allele CA276119.